The following is an entry in ClinVar:

ClinVar aggregate classification (germline): Uncertain significance (1 of 4 stars; one submission).

Conditions:
Congenital myasthenic syndrome 8. Also called: MYASTHENIC SYNDROME, CONGENITAL, DUE TO AGRIN DEFICIENCY; Myasthenic syndrome, congenital, 8, with pre- and postsynaptic defects. Identifiers: Orphanet 590, MedGen C3808739, MONDO:0014052, OMIM 615120.

Allele frequency attached by ClinVar (database versions not stated): gnomAD 0.00003; TOPMed 0.00002; ExAC 0.00002; gnomAD exomes 0.00004.
gnomAD v4.1: 60 of 1,613,136 alleles (0.0037%); highest among the groups gnomAD compares: Non-Finnish European, 0.0041%; no homozygotes.

Submission:

Labcorp Genetics (formerly Invitae), Labcorp
Classification: Uncertain significance for Congenital myasthenic syndrome 8. Last evaluated: 2024-10-25. Review status: criteria provided, single submitter. Criteria: Invitae Variant Classification Sherloc (09022015). Collection method: clinical testing. Allele origin: germline.
Comment: This sequence change replaces glycine, which is neutral and non-polar, with serine, which is neutral and polar, at codon 670 of the AGRN protein (p.Gly670Ser). This variant is present in population databases (rs777497420, gnomAD 0.007%). This variant has not been reported in the literature in individuals affected with AGRN-related conditions. ClinVar contains an entry for this variant (Variation ID: 1012074). An algorithm developed to predict the effect of missense changes on protein structure and function (PolyPhen-2) suggests that this variant is likely to be disruptive. In summary, the available evidence is currently insufficient to determine the role of this variant in disease. Therefore, it has been classified as a Variant of Uncertain Significance.

NM_198576.4(AGRN):c.2008G>A (p.Gly670Ser)

Gene: AGRN (agrin; plus strand). Cytogenetic location: 1p36.33.
Variant type: single nucleotide variant.
Coding change: c.2008G>A on transcript NM_198576.4 (MANE Select); coding-DNA position 2008, G replaced by A.
Protein change: p.Gly670Ser; replaces glycine 670 with serine.
Molecular consequence: missense variant.
Genome position (GRCh38, 1-based): chr1:1,044,117, G>A. VCF-style: chr1-1044117-G-A. GRCh37 (hg19) VCF-style: chr1-979497-G-A.
Other names: c.2008G>A, p.Gly670Ser (NM_001305275.2); c.1693G>A, p.Gly565Ser (NM_001364727.2); short protein forms G565S, G670S.
Identifiers: ClinVar variation 1012074 (VCV001012074.7), dbSNP rs777497420, ClinGen allele CA508435.